The following is an entry in ClinVar:

ClinVar aggregate classification (germline): Uncertain significance (1 of 4 stars; one submission).

Conditions:
RYR1-related disorder. Also called: RYR1-related condition; RYR1-related disorders. Identifiers: MedGen CN239331.

Submission:

Labcorp Genetics (formerly Invitae), Labcorp
Classification: Uncertain significance for RYR1-related disorder. Last evaluated: 2022-03-08. Review status: criteria provided, single submitter. Criteria: Invitae Variant Classification Sherloc (09022015). Collection method: clinical testing. Allele origin: germline.
Comment: In summary, the available evidence is currently insufficient to determine the role of this variant in disease. Therefore, it has been classified as a Variant of Uncertain Significance. Advanced modeling of protein sequence and biophysical properties (such as structural, functional, and spatial information, amino acid conservation, physicochemical variation, residue mobility, and thermodynamic stability) performed at Invitae indicates that this missense variant is not expected to disrupt RYR1 protein function. This variant has not been reported in the literature in individuals affected with RYR1-related conditions. This variant is not present in population databases (gnomAD no frequency). This sequence change replaces asparagine, which is neutral and polar, with aspartic acid, which is acidic and polar, at codon 704 of the RYR1 protein (p.Asn704Asp).

NM_000540.3(RYR1):c.2110A>G (p.Asn704Asp)

Gene: RYR1 (ryanodine receptor 1; plus strand). Cytogenetic location: 19q13.2.
Variant type: single nucleotide variant.
Coding change: c.2110A>G on transcript NM_000540.3 (MANE Select); coding-DNA position 2110, A replaced by G.
Protein change: p.Asn704Asp; replaces asparagine 704 with aspartic acid.
Molecular consequence: missense variant.
Genome position (GRCh38, 1-based): chr19:38,458,235, A>G. VCF-style: chr19-38458235-A-G. GRCh37 (hg19) VCF-style: chr19-38948875-A-G.
Other names: c.2110A>G, p.Asn704Asp (NM_001042723.2); short protein forms N704D.
Identifiers: ClinVar variation 1357567 (VCV001357567.8), dbSNP rs2145409296, ClinGen allele CA405697449.